The following is an entry in ClinVar:

ClinVar aggregate classification (germline): Uncertain significance (1 of 4 stars; one submission).

gnomAD v4.1: 10 of 1,597,366 alleles (0.00063%); highest among the groups gnomAD compares: East Asian, 0.0091%; no homozygotes.

Submission:

Ambry Genetics
Classification: Uncertain significance. Last evaluated: 2024-12-16. Review status: criteria provided, single submitter. Criteria: Ambry Variant Classification Scheme 2023. Collection method: clinical testing. Allele origin: germline.
Comment: The c.1316C>T (p.A439V) alteration is located in exon (coding exon ) of the SH3RF3 gene. This alteration results from a C to T substitution at nucleotide position 1316, causing the alanine (A) at amino acid position 439 to be replaced by a valine (V). Based on insufficient or conflicting evidence, the clinical significance of this alteration remains unclear.

NM_001099289.3(SH3RF3):c.1316C>T (p.Ala439Val)

Genes: RANBP2 (RAN binding protein 2; plus strand), SH3RF3 (SH3 domain containing ring finger 3; plus strand). Cytogenetic location: 2q13.
Variant type: single nucleotide variant.
Coding change: c.1316C>T on transcript NM_001099289.3 (MANE Select); coding-DNA position 1316, C replaced by T.
Protein change: p.Ala439Val; replaces alanine 439 with valine.
Molecular consequence: missense variant.
Genome position (GRCh38, 1-based): chr2:109,419,555, C>T. VCF-style: chr2-109419555-C-T. GRCh37 (hg19) VCF-style: chr2-110036011-C-T.
Other names: short protein forms A439V.
Identifiers: ClinVar variation 3795445 (VCV003795445.1).
Genomic context (GRCh38, chr2:109,419,555, plus strand): 5'-GAGTCTCTGTCTCCTCACTCCTGTCCCCTCTTGTCTGTTTCCAGGATGTCTCCTCCTCGG[C>T]GGGATCTACCCCCACGGCTGTCCCACGGGCTGCCTCGGTGTCTGGAGAGCAGGGCACGCC-3'
Protein context (NP_001092759.1, residues 429-449): AAPTQDVSSS[Ala439Val]GSTPTAVPRA